The following is an entry in ClinVar:

ClinVar aggregate classification (germline): Pathogenic (1 of 4 stars; one submission).

Submission:

Labcorp Genetics (formerly Invitae), Labcorp
Classification: Pathogenic. Last evaluated: 2023-12-05. Review status: criteria provided, single submitter. Criteria: Invitae Variant Classification Sherloc (09022015). Collection method: clinical testing. Allele origin: germline.
Comment: This sequence change affects an acceptor splice site in intron 7 of the OPA1 gene. It is expected to disrupt RNA splicing. Variants that disrupt the donor or acceptor splice site typically lead to a loss of protein function (PMID: 16199547), and loss-of-function variants in OPA1 are known to be pathogenic (PMID: 11440988, 20157015, 20952381, 25012220). This variant is not present in population databases (gnomAD no frequency). Disruption of this splice site has been observed in individuals with autosomal dominant optic atrophy and/or OPA1-related conditions (PMID: 19319978, 24051421, 24883014, 27860320, 34242285). Algorithms developed to predict the effect of sequence changes on RNA splicing suggest that this variant may disrupt the consensus splice site. For these reasons, this variant has been classified as Pathogenic.

Literature cited by the submitters: PubMed 16199547; PubMed 11440988; PubMed 20157015; PubMed 20952381; PubMed 25012220; PubMed 19319978; PubMed 24051421; PubMed 24883014; PubMed 27860320; PubMed 34242285.

NM_130837.3(OPA1):c.949-2A>T

Gene: OPA1 (OPA1 mitochondrial dynamin like GTPase; plus strand). Cytogenetic location: 3q29.
Variant type: single nucleotide variant.
Coding change: c.949-2A>T on transcript NM_130837.3 (MANE Select); the canonical splice acceptor site of the intron before coding-DNA position 949, A replaced by T.
Molecular consequence: splice acceptor variant.
Genome position (GRCh38, 1-based): chr3:193,637,193, A>T. VCF-style: chr3-193637193-A-T. GRCh37 (hg19) VCF-style: chr3-193354982-A-T.
Other names: c.412-2A>T (NM_001354664.2); c.415-2A>T (NM_001354663.2); c.838-2A>T (NM_130834.3); c.895-2A>T (NM_130836.3); c.784-2A>T (NM_015560.3); c.841-2A>T (NM_130835.3); c.730-2A>T (NM_130832.3); c.787-2A>T (NM_130833.3); and 1 more.
Identifiers: ClinVar variation 2734612 (VCV002734612.3), dbSNP rs2474808213, ClinGen allele CA355787908.
Genomic context (GRCh38, chr3:193,637,193, plus strand): 5'-TCTGTTATATTTTTTTCTTTACTTTTACTGTTTTATATTATAACTTTTTAAAATTTTTAC[A>T]GAAATCTTTGATTGACATGTATTCTGAAGTTCTTGATGTTCTCTCTGATTATGATGCCAG-3'